The following is an entry in ClinVar:

NM_004736.4(XPR1):c.605T>G (p.Val202Gly)

Gene: XPR1 (xenotropic and polytropic retrovirus receptor 1; plus strand). Cytogenetic location: 1q25.3.
Variant type: single nucleotide variant.
Coding change: c.605T>G on transcript NM_004736.4 (MANE Select); coding-DNA position 605, T replaced by G.
Protein change: p.Val202Gly; replaces valine 202 with glycine.
Molecular consequence: missense variant. On other transcripts: non-coding transcript variant (1).
Genome position (GRCh38, 1-based): chr1:180,806,481, T>G. VCF-style: chr1-180806481-T-G. GRCh37 (hg19) VCF-style: chr1-180775617-T-G.
Other names: c.605T>G, p.Val202Gly (NM_001135669.2, NM_001328662.2); short protein forms V202G.
Identifiers: ClinVar variation 2577775 (VCV002577775.1), dbSNP rs2525828196, ClinGen allele CA343843757.

ClinVar aggregate classification (germline): Uncertain significance (1 of 4 stars; one submission).

Submission:

GeneDx
Classification: Uncertain significance. Last evaluated: 2023-02-27. Review status: criteria provided, single submitter. Criteria: GeneDx Variant Classification Process June 2021. Collection method: clinical testing. Allele origin: germline. Affected: yes.
Comment: Not observed at significant frequency in large population cohorts (gnomAD); In silico analysis supports that this missense variant has a deleterious effect on protein structure/function; Has not been previously published as pathogenic or benign to our knowledge